The following is an entry in ClinVar:

NM_005902.4(SMAD3):c.719T>A (p.Leu240Gln)

Gene: SMAD3 (SMAD family member 3; plus strand). Cytogenetic location: 15q22.33.
Variant type: single nucleotide variant.
Coding change: c.719T>A on transcript NM_005902.4 (MANE Select); coding-DNA position 719, T replaced by A.
Protein change: p.Leu240Gln; replaces leucine 240 with glutamine.
Molecular consequence: missense variant.
Genome position (GRCh38, 1-based): chr15:67,181,301, T>A. VCF-style: chr15-67181301-T-A. GRCh37 (hg19) VCF-style: chr15-67473639-T-A.
Other names: c.404T>A, p.Leu135Gln (NM_001145102.2, NM_001407016.1); c.587T>A, p.Leu196Gln (NM_001145103.2, NM_001407012.1); c.134T>A, p.Leu45Gln (NM_001145104.2, NM_001407017.1); c.719T>A, p.Leu240Gln (NM_001407011.1, NM_001407013.1); c.572T>A, p.Leu191Gln (NM_001407014.1); c.272T>A, p.Leu91Gln (NM_001407015.1); short protein forms L196Q, L45Q, L191Q, L240Q, L135Q, L91Q.
Identifiers: ClinVar variation 2895154 (VCV002895154.3), dbSNP rs2505283382, ClinGen allele CA392956035.

ClinVar aggregate classification (germline): Uncertain significance (1 of 4 stars; one submission).

Conditions:
Familial thoracic aortic aneurysm and aortic dissection (TAAD). Also called: Thoracic aortic aneurysms and dissections. Identifiers: Orphanet 91387, MedGen C4707243, MONDO:0019625.

Submission:

Labcorp Genetics (formerly Invitae), Labcorp
Classification: Uncertain significance for Familial thoracic aortic aneurysm and aortic dissection. Last evaluated: 2023-12-28. Review status: criteria provided, single submitter. Criteria: Invitae Variant Classification Sherloc (09022015). Collection method: clinical testing. Allele origin: germline.
Comment: This sequence change replaces leucine, which is neutral and non-polar, with glutamine, which is neutral and polar, at codon 240 of the SMAD3 protein (p.Leu240Gln). This variant is not present in population databases (gnomAD no frequency). This variant has not been reported in the literature in individuals affected with SMAD3-related conditions. Advanced modeling of protein sequence and biophysical properties (such as structural, functional, and spatial information, amino acid conservation, physicochemical variation, residue mobility, and thermodynamic stability) performed at Invitae indicates that this missense variant is not expected to disrupt SMAD3 protein function with a negative predictive value of 80%. In summary, the available evidence is currently insufficient to determine the role of this variant in disease. Therefore, it has been classified as a Variant of Uncertain Significance.